The following is an entry in ClinVar:

ClinVar aggregate classification (germline): Uncertain significance. Review status: criteria provided, multiple submitters, no conflicts (2 of 4 stars). 2 submissions from 2 submitters: Uncertain significance (2). Last evaluated 2024-05-21.

Allele frequency attached by ClinVar (database versions not stated): gnomAD 0.00001; ExAC 0.00002; gnomAD exomes 0.00002 and 0.00003; TOPMed 0.00006.
gnomAD v4.1: 31 of 1,613,868 alleles (0.0019%); highest among the groups gnomAD compares: East Asian, 0.0045%; no homozygotes.

Submissions (2):

Ambry Genetics
Classification: Uncertain significance. Last evaluated: 2024-05-21. Review status: criteria provided, single submitter. Criteria: Ambry Variant Classification Scheme 2023. Collection method: clinical testing. Allele origin: germline.

Labcorp Genetics (formerly Invitae), Labcorp
Classification: Uncertain significance. Last evaluated: 2022-05-29. Review status: criteria provided, single submitter. Criteria: Invitae Variant Classification Sherloc (09022015). Collection method: clinical testing. Allele origin: germline.
Comment: This sequence change replaces arginine, which is basic and polar, with tryptophan, which is neutral and slightly polar, at codon 192 of the RUSC2 protein (p.Arg192Trp). This variant is present in population databases (rs759822718, gnomAD 0.01%). This variant has not been reported in the literature in individuals affected with RUSC2-related conditions. ClinVar contains an entry for this variant (Variation ID: 1505347). Algorithms developed to predict the effect of missense changes on protein structure and function are either unavailable or do not agree on the potential impact of this missense change (SIFT: "Deleterious"; PolyPhen-2: "Possibly Damaging"; Align-GVGD: "Class C0"). In summary, the available evidence is currently insufficient to determine the role of this variant in disease. Therefore, it has been classified as a Variant of Uncertain Significance.

NM_014806.5(RUSC2):c.574C>T (p.Arg192Trp)

Gene: RUSC2 (RUN and SH3 domain containing 2; plus strand). Cytogenetic location: 9p13.3.
Variant type: single nucleotide variant.
Coding change: c.574C>T on transcript NM_014806.5 (MANE Select); coding-DNA position 574, C replaced by T.
Protein change: p.Arg192Trp; replaces arginine 192 with tryptophan.
Molecular consequence: missense variant. On other transcripts: non-coding transcript variant (1), intron variant (1).
Genome position (GRCh38, 1-based): chr9:35,547,095, C>T. VCF-style: chr9-35547095-C-T. GRCh37 (hg19) VCF-style: chr9-35547092-C-T.
Other names: c.574C>T, p.Arg192Trp (NM_001135999.2); c.-620-7965C>T (NM_001330740.2); c.574C>T (NM_001135999.1); short protein forms R192W.
Identifiers: ClinVar variation 1505347 (VCV001505347.6), dbSNP rs759822718, ClinGen allele CA5043496.
Genomic context (GRCh38, chr9:35,547,095, plus strand): 5'-CAGGAACAGGAGCCAGTGATGACCTTGGATACTCAGCAGTGCGGCACCAGCCACTGCTGC[C>T]GGCCAGAGCTGGAAGCAGAGACTATGGAGCTGGATGAGTGTGGGGGACCTGGTGGGAGTG-3'
Protein context (NP_055621.2, residues 182-202): TQQCGTSHCC[Arg192Trp]PELEAETMEL